The following is an entry in ClinVar:

NM_032607.3(CREB3L3):c.1015A>G (p.Ile339Val)

Gene: CREB3L3 (cAMP responsive element binding protein 3 like 3; plus strand). Cytogenetic location: 19p13.3.
Variant type: single nucleotide variant.
Coding change: c.1015A>G on transcript NM_032607.3 (MANE Select); coding-DNA position 1015, A replaced by G.
Protein change: p.Ile339Val; replaces isoleucine 339 with valine.
Molecular consequence: missense variant.
Genome position (GRCh38, 1-based): chr19:4,171,422, A>G. VCF-style: chr19-4171422-A-G. GRCh37 (hg19) VCF-style: chr19-4171419-A-G.
Other names: c.1012A>G, p.Ile338Val (NM_001271995.2); c.1009A>G, p.Ile337Val (NM_001271996.2); c.908A>G, p.His303Arg (NM_001271997.2); short protein forms H303R, I337V, I338V, I339V.
Identifiers: ClinVar variation 3625053 (VCV003625053.2).

ClinVar aggregate classification (germline): Uncertain significance (1 of 4 stars; one submission).

Submission:

Labcorp Genetics (formerly Invitae), Labcorp
Classification: Uncertain significance. Last evaluated: 2024-02-09. Review status: criteria provided, single submitter. Criteria: Invitae Variant Classification Sherloc (09022015). Collection method: clinical testing. Allele origin: germline.
Comment: This sequence change replaces isoleucine, which is neutral and non-polar, with valine, which is neutral and non-polar, at codon 339 of the CREB3L3 protein (p.Ile339Val). This variant is present in population databases (no rsID available, gnomAD 0.01%). This variant has not been reported in the literature in individuals affected with CREB3L3-related conditions. Advanced modeling of protein sequence and biophysical properties (such as structural, functional, and spatial information, amino acid conservation, physicochemical variation, residue mobility, and thermodynamic stability) performed at Invitae indicates that this missense variant is not expected to disrupt CREB3L3 protein function with a negative predictive value of 80%. In summary, the available evidence is currently insufficient to determine the role of this variant in disease. Therefore, it has been classified as a Variant of Uncertain Significance.